The following is an entry in ClinVar:

ClinVar aggregate classification (germline): Uncertain significance. Review status: criteria provided, multiple submitters, no conflicts (2 of 4 stars). 3 submissions from 3 submitters: Uncertain significance (3). Last evaluated 2025-05-24.

Conditions:
Myofibrillar myopathy 5. Also called: Filaminopathy (type); FILAMINOPATHY, AUTOSOMAL DOMINANT. Identifiers: Orphanet 171445, MedGen C1836050, MONDO:0012289, OMIM 609524.
Hypertrophic cardiomyopathy 26. Also called: Cardiomyopathy, familial hypertrophic, 26. Identifiers: Orphanet 75249, MedGen C4310749, MONDO:0014883, OMIM 617047.
Distal myopathy with posterior leg and anterior hand involvement. Also called: WILLIAMS DISTAL MYOPATHY. Identifiers: Orphanet 63273, MedGen C3279722, MONDO:0013550, OMIM 614065.
Cardiovascular phenotype. Identifiers: MedGen CN230736.

Allele frequency attached by ClinVar (database versions not stated): ExAC 0.00002.
gnomAD v4.1: 12 of 1,614,116 alleles (0.00074%); highest among the groups gnomAD compares: Admixed American, 0.0033%; no homozygotes.

Submissions (3):

Ambry Genetics
Classification: Uncertain significance for Cardiovascular phenotype. Last evaluated: 2025-05-24. Review status: criteria provided, single submitter. Criteria: Ambry Variant Classification Scheme 2023. Collection method: clinical testing. Allele origin: germline.
Comment: The p.G1721R variant (also known as c.5161G>A), located in coding exon 30 of the FLNC gene, results from a G to A substitution at nucleotide position 5161. The glycine at codon 1721 is replaced by arginine, an amino acid with dissimilar properties. This amino acid position is conserved. In addition, this alteration is predicted to be deleterious by in silico analysis. Based on the available evidence, the clinical significance of this variant remains unclear.

Labcorp Genetics (formerly Invitae), Labcorp
Classification: Uncertain significance for Distal myopathy with posterior leg and anterior hand involvement; Myofibrillar myopathy 5; Hypertrophic cardiomyopathy 26. Last evaluated: 2024-08-13. Review status: criteria provided, single submitter. Criteria: Invitae Variant Classification Sherloc (09022015). Collection method: clinical testing. Allele origin: germline.
Comment: This sequence change replaces glycine, which is neutral and non-polar, with arginine, which is basic and polar, at codon 1721 of the FLNC protein (p.Gly1721Arg). This variant is present in population databases (rs759786433, gnomAD 0.006%). This variant has not been reported in the literature in individuals affected with FLNC-related conditions. ClinVar contains an entry for this variant (Variation ID: 837784). Invitae Evidence Modeling of protein sequence and biophysical properties (such as structural, functional, and spatial information, amino acid conservation, physicochemical variation, residue mobility, and thermodynamic stability) has been performed for this missense variant. However, the output from this modeling did not meet the statistical confidence thresholds required to predict the impact of this variant on FLNC protein function. In summary, the available evidence is currently insufficient to determine the role of this variant in disease. Therefore, it has been classified as a Variant of Uncertain Significance.

GeneDx
Classification: Uncertain significance. Last evaluated: 2022-01-28. Review status: criteria provided, single submitter. Criteria: GeneDx Variant Classification Process June 2021. Collection method: clinical testing. Allele origin: germline. Affected: yes.
Comment: Has not been previously published as pathogenic or benign to our knowledge; Not observed at significant frequency in large population cohorts (gnomAD); In silico analysis supports that this missense variant has a deleterious effect on protein structure/function; Reported in ClinVar as a variant of uncertain significance (ClinVar Variant ID# 837784)

NM_001458.5(FLNC):c.5161G>A (p.Gly1721Arg)

Gene: FLNC (filamin C; plus strand). Cytogenetic location: 7q32.1.
Variant type: single nucleotide variant.
Coding change: c.5161G>A on transcript NM_001458.5 (MANE Select); coding-DNA position 5161, G replaced by A.
Protein change: p.Gly1721Arg; replaces glycine 1721 with arginine.
Molecular consequence: missense variant.
Genome position (GRCh38, 1-based): chr7:128,849,540, G>A. VCF-style: chr7-128849540-G-A. GRCh37 (hg19) VCF-style: chr7-128489594-G-A.
Other names: c.5161G>A, p.Gly1721Arg (NM_001127487.2); short protein forms G1721R.
Identifiers: ClinVar variation 837784 (VCV000837784.13), dbSNP rs759786433, ClinGen allele CA4475572.